The following is an entry in ClinVar:

NM_030787.4(CFHR5):c.283G>A (p.Gly95Ser)

Gene: CFHR5 (complement factor H related 5; plus strand). Cytogenetic location: 1q31.3.
Variant type: single nucleotide variant.
Coding change: c.283G>A on transcript NM_030787.4 (MANE Select); coding-DNA position 283, G replaced by A.
Protein change: p.Gly95Ser; replaces glycine 95 with serine.
Molecular consequence: missense variant.
Genome position (GRCh38, 1-based): chr1:196,983,990, G>A. VCF-style: chr1-196983990-G-A. GRCh37 (hg19) VCF-style: chr1-196953120-G-A.
Other names: short protein forms G95S.
Identifiers: ClinVar variation 2031597 (VCV002031597.4), dbSNP rs762992026, ClinGen allele CA343999205.
Genomic context (GRCh38, chr1:196,983,990, plus strand): 5'-TCTTGTACATTAATCAATTTTTGTTCCTTAGGAATGTGTTCCTTTCCTTTTGTGAAAAAT[G>A]GTCATTCTGAATCTTCAGGACTAATACATCTGGAAGGTGATACTGTACAAATTATTTGCA-3'
Protein context (NP_110414.1, residues 85-105): RMCSFPFVKN[Gly95Ser]HSESSGLIHL

ClinVar aggregate classification (germline): Uncertain significance (1 of 4 stars; one submission).

Submission:

Labcorp Genetics (formerly Invitae), Labcorp
Classification: Uncertain significance. Last evaluated: 2022-09-21. Review status: criteria provided, single submitter. Criteria: Invitae Variant Classification Sherloc (09022015). Collection method: clinical testing. Allele origin: germline.
Comment: In summary, the available evidence is currently insufficient to determine the role of this variant in disease. Therefore, it has been classified as a Variant of Uncertain Significance. Advanced modeling of protein sequence and biophysical properties (such as structural, functional, and spatial information, amino acid conservation, physicochemical variation, residue mobility, and thermodynamic stability) performed at Invitae indicates that this missense variant is not expected to disrupt CFHR5 protein function. This variant has not been reported in the literature in individuals affected with CFHR5-related conditions. This variant is not present in population databases (gnomAD no frequency). This sequence change replaces glycine, which is neutral and non-polar, with serine, which is neutral and polar, at codon 95 of the CFHR5 protein (p.Gly95Ser).